The following is an entry in ClinVar:

ClinVar aggregate classification (germline): Uncertain significance. Review status: criteria provided, multiple submitters, no conflicts (2 of 4 stars). 2 submissions from 2 submitters: Uncertain significance (2). Last evaluated 2023-12-13.

Conditions:
Primary ciliary dyskinesia. Also called: Ciliary dyskinesia. Identifiers: Orphanet 244, MedGen C0008780, MONDO:0016575, HP:0012265.

Allele frequency attached by ClinVar (database versions not stated): ExAC 0.00001.

Submissions (2):

Ambry Genetics
Classification: Uncertain significance for Primary ciliary dyskinesia. Last evaluated: 2023-12-13. Review status: criteria provided, single submitter. Criteria: Ambry Variant Classification Scheme 2023. Collection method: clinical testing. Allele origin: germline.

Labcorp Genetics (formerly Invitae), Labcorp
Classification: Uncertain significance for Primary ciliary dyskinesia. Last evaluated: 2021-09-01. Review status: criteria provided, single submitter. Criteria: Invitae Variant Classification Sherloc (09022015). Collection method: clinical testing. Allele origin: germline.
Comment: This sequence change replaces arginine with tryptophan at codon 205 of the CCDC40 protein (p.Arg205Trp). The arginine residue is moderately conserved and there is a moderate physicochemical difference between arginine and tryptophan. This variant is present in population databases (rs753704549, ExAC 0.006%). This variant has not been reported in the literature in individuals affected with CCDC40-related conditions. Algorithms developed to predict the effect of missense changes on protein structure and function are either unavailable or do not agree on the potential impact of this missense change (SIFT: "Deleterious"; PolyPhen-2: "Probably Damaging"; Align-GVGD: "Class C0"). In summary, the available evidence is currently insufficient to determine the role of this variant in disease. Therefore, it has been classified as a Variant of Uncertain Significance.

NM_017950.4(CCDC40):c.613C>T (p.Arg205Trp)

Gene: CCDC40 (coiled-coil domain 40 molecular ruler complex subunit; plus strand). Cytogenetic location: 17q25.3.
Variant type: single nucleotide variant.
Coding change: c.613C>T on transcript NM_017950.4 (MANE Select); coding-DNA position 613, C replaced by T.
Protein change: p.Arg205Trp; replaces arginine 205 with tryptophan.
Molecular consequence: missense variant.
Genome position (GRCh38, 1-based): chr17:80,047,339, C>T. VCF-style: chr17-80047339-C-T. GRCh37 (hg19) VCF-style: chr17-78021138-C-T.
Other names: c.613C>T, p.Arg205Trp (NM_001243342.2, NM_001330508.2); short protein forms R205W.
Identifiers: ClinVar variation 407767 (VCV000407767.7), dbSNP rs753704549, ClinGen allele CA8813503.